The following is an entry in ClinVar:

NM_138817.3(SLC7A13):c.674C>T (p.Thr225Ile)

Gene: SLC7A13 (solute carrier family 7 member 13; minus strand). Cytogenetic location: 8q21.3.
Variant type: single nucleotide variant.
Coding change: c.674C>T on transcript NM_138817.3 (MANE Select); coding-DNA position 674, C replaced by T.
Protein change: p.Thr225Ile; replaces threonine 225 with isoleucine.
Molecular consequence: missense variant.
Genome position (GRCh38, 1-based): chr8:86,229,604, G>A on the plus strand (C>T on the coding strand, the complement: SLC7A13 is on the minus strand). VCF-style: chr8-86229604-G-A. GRCh37 (hg19) VCF-style: chr8-87241833-G-A.
Other names: short protein forms T225I.
Identifiers: ClinVar variation 2343093 (VCV002343093.4), dbSNP rs147270351, ClinGen allele CA4797777.

ClinVar aggregate classification (germline): Uncertain significance. Review status: criteria provided, multiple submitters, no conflicts (2 of 4 stars). 2 submissions from 2 submitters: Uncertain significance (2). Last evaluated 2025-08-27.

Allele frequency attached by ClinVar (database versions not stated): TOPMed 0.00006; gnomAD 0.00007; ExAC 0.00010; 1000 Genomes Project 30x 0.00016; 1000 Genomes Project 0.00020; ESP Exome Variant Server 0.00023.

Submissions (2):

Ambry Genetics
Classification: Uncertain significance. Last evaluated: 2025-08-27. Review status: criteria provided, single submitter. Criteria: Ambry Variant Classification Scheme 2023. Collection method: clinical testing. Allele origin: germline.

Labcorp Genetics (formerly Invitae), Labcorp
Classification: Uncertain significance. Last evaluated: 2025-08-23. Review status: criteria provided, single submitter. Criteria: Invitae Variant Classification Sherloc (09022015). Collection method: clinical testing. Allele origin: germline.
Comment: This sequence change replaces threonine, which is neutral and polar, with isoleucine, which is neutral and non-polar, at codon 225 of the SLC7A13 protein (p.Thr225Ile). This variant is present in population databases (rs147270351, gnomAD 0.02%). This variant has not been reported in the literature in individuals affected with SLC7A13-related conditions. ClinVar contains an entry for this variant (Variation ID: 2343093). An algorithm developed to predict the effect of missense changes on protein structure and function outputs the following: PolyPhen-2: "Benign". The isoleucine amino acid residue is found in multiple mammalian species, which suggests that this missense change does not adversely affect protein function. In summary, the available evidence is currently insufficient to determine the role of this variant in disease. Therefore, it has been classified as a Variant of Uncertain Significance.